The following is an entry in ClinVar:

ClinVar aggregate classification (germline): Likely pathogenic. Review status: reviewed by expert panel (3 of 4 stars). 4 submissions from 4 submitters: Likely pathogenic (1). 3 of the submissions do not count toward it. Last evaluated 2017-05-09.

Conditions:
Cardio-facio-cutaneous syndrome. Also called: Cardiofaciocutaneous syndrome; CFC syndrome. Identifiers: Orphanet 1340, MedGen C1275081, MONDO:0015280. Disease mechanism: gain of function.
Inborn genetic diseases. Identifiers: MedGen C0950123, MeSH D030342.

Submissions (4):

ClinGen RASopathy Variant Curation Expert Panel
Classification: Likely pathogenic for Cardio-facio-cutaneous syndrome. Last evaluated: 2017-05-09. Review status: reviewed by expert panel. Criteria: ClinGen RASopathy ACMG Specifications v1. Collection method: curation. Allele origin: germline. Inheritance: Autosomal dominant inheritance.
Comment: The c.388T>C (p.Tyr130His) variant in MAP2K1 has been reported in the literature as an unconfirmed de novo occurrence in a patient with clinical features of a RASopathy (PM6; PMID 19156172). This variant was absent from large population studies (PM2; ExAC). The variant is located in the MAP2K1 gene, which has been defined by the ClinGen RASopathy Expert Panel as a gene with a low rate of benign missense variants and pathogenic missense variants are common (PP2; PMID 29493581). Furthermore, the variant is in a location that has been defined by the ClinGen RASopathy Expert Panel to be a mutational hotspot or domain of MAP2K1 (PM1; PMID 29493581). A different pathogenic missense variant has been previously identified at this codon of MAP2K1 which may indicate that this residue is critical to the function of the protein (PM5; ClinVar 13351). Computational prediction tools and conservation analysis suggest that the p.Tyr130Cys variant may impact the protein (PP3). In summary, this variant meets criteria to be classified as likely pathogenic for RASopathies in an autosomal dominant manner. RASopathy-specific ACMG/AMP criteria applied (PMID:29493581): PM6, PM5, PM2, PM1, PP3, PP2.

ARUP Laboratories, Molecular Genetics and Genomics, ARUP Laboratories
Classification: Pathogenic. Last evaluated: 2019-09-12. Review status: criteria provided, single submitter. Criteria: ARUP Molecular Germline Variant Investigation Process. Collection method: clinical testing. Allele origin: germline. Not counted in ClinVar's aggregate classification.
Comment: The MAP2K1 c.388T>C; p.Tyr130His variant (rs397516793) is reported in the literature in individuals affected with cardio-facio-cutaneous (CFC) syndrome, including at least one de novo occurence (Dentici 2009). This variant is reported in ClinVar (Variation ID: 40747), and is absent from general population databases (Exome Variant Server, Genome Aggregation Database), indicating it is not a common polymorphism. The tyrosine at codon 130is highly conserved, and computational analyses (SIFT, PolyPhen-2) predict that this variant is deleterious. Additionally, tyrosine 130 is considered a mutational hotspot (Bromberg-White 2012), and other variants at this codon (c.389A>G; p.Tyr130Cys, c.388T>A; p.Tyr130Asn) have been reported in individuals with CFC syndrome and are considered pathogenic (Dentici 2009, Gripp 2007, Rodriguez-Viciana 2008). In vitro functional analyses demonstrate that the p.Tyr130His variant leads to overactivation of the MAP2K1 protein (Hao 2008). Based on available information, the p.Tyr130His variant is considered to be pathogenic. References: Bromberg-White JL et al. MEK genomics in development and disease. Brief Funct Genomics. 2012 Jul;11(4):300-10. Dentici ML et al. Spectrum of MEK1 and MEK2 gene mutations in cardio-facio-cutaneous syndrome and genotype-phenotype correlations. Eur J Hum Genet. 2009 Jun;17(6):733-40. Gripp KW et al. Further delineation of the phenotype resulting from BRAF or MEK1 germline mutations helps differentiate cardio-facio-cutaneous syndrome from Costello syndrome. Am J Med Genet A. 2007 Jul 1;143A(13):1472-80. Hao YH et al. Structural requirements for Yersinia YopJ inhibition of MAP kinase pathways. PLoS One. 2008 Jan 2;3(1):e1375. Rodriguez-Viciana P and Rauen KA. Biochemical characterization of novel germline BRAF and MEK mutations in cardio-facio-cutaneous syndrome. Methods Enzymol. 2008;438:277-89.

Ambry Genetics
Classification: Pathogenic for Inborn genetic diseases. Last evaluated: 2015-07-28. Review status: criteria provided, single submitter. Criteria: Ambry exome assertion method (8-5-2015). Collection method: clinical testing. Allele origin: germline. Affected: yes. Observed: 1 variant allele. Not counted in ClinVar's aggregate classification.

Laboratory for Molecular Medicine, Mass General Brigham Personalized Medicine
Classification: Pathogenic for Cardio-facio-cutaneous syndrome. Last evaluated: 2012-03-07. Review status: criteria provided, single submitter. Criteria: LMM Criteria. Collection method: clinical testing. Allele origin: germline. Inheritance: Autosomal dominant inheritance. Observed: 1 variant allele. Not counted in ClinVar's aggregate classification.
Comment: The Tyr130His variant has been reported in one individual with clinical features of Cardio-facio-cutaneous syndrome and was shown to have occurred de novo (Dent ici 2009). In addition, Tyr130Cys and Tyr130Asn have been reported in several i ndividuals with CFC and tyrosine at position 130 represents the most commonly mu tated amino acid in MEK1 (Gripp 2007, Rodriguez-Viciana 2006, Dentici 2009, Naru mi 2007, Schulz 2008). In summary, this variant meets our criteria to be classi fied as pathogenic. The presence of a heterozygo us pathogenic variant in MEK1 is consistent with a diagnosis of cardio-facio-cut aneous syndrome but this information should be reconciled with the complete clin ical history of this individual.

Literature cited by the submitters: PubMed 19156172 (cited by ClinGen RASopathy Variant Curation Expert Panel and Laboratory for Molecular Medicine, Mass General Brigham Personalized Medicine); PubMed 29493581 (cited by ClinGen RASopathy Variant Curation Expert Panel); PubMed 17366577 (cited by Laboratory for Molecular Medicine, Mass General Brigham Personalized Medicine); PubMed 16439621 (cited by Laboratory for Molecular Medicine, Mass General Brigham Personalized Medicine); PubMed 17551924 (cited by Laboratory for Molecular Medicine, Mass General Brigham Personalized Medicine); PubMed 18042262 (cited by Laboratory for Molecular Medicine, Mass General Brigham Personalized Medicine).

NM_002755.4(MAP2K1):c.388T>C (p.Tyr130His)

Gene: MAP2K1 (mitogen-activated protein kinase kinase 1; plus strand). Cytogenetic location: 15q22.31.
Variant type: single nucleotide variant.
Coding change: c.388T>C on transcript NM_002755.4 (MANE Select); coding-DNA position 388, T replaced by C.
Protein change: p.Tyr130His; replaces tyrosine 130 with histidine.
Molecular consequence: missense variant.
Genome position (GRCh38, 1-based): chr15:66,436,842, T>C. VCF-style: chr15-66436842-T-C. GRCh37 (hg19) VCF-style: chr15-66729180-T-C.
Other names: NM_002755.3(MAP2K1):c.388T>C; short protein forms Y130H.
Identifiers: ClinVar variation 40747 (VCV000040747.15), dbSNP rs397516793, ClinGen allele CA279999.
Genomic context (GRCh38, chr15:66,436,842, plus strand): 5'-CAGATCATAAGGGAGCTGCAGGTTCTGCATGAGTGCAACTCTCCGTACATCGTGGGCTTC[T>C]ATGGTGCGTTCTACAGCGATGGCGAGATCAGTATCTGCATGGAGCACATGGTATGTGACA-3'
Protein context (NP_002746.1, residues 120-140): ECNSPYIVGF[Tyr130His]GAFYSDGEIS